The following is an entry in ClinVar:

NM_022835.3(PLEKHG2):c.859C>A (p.Gln287Lys)

Gene: PLEKHG2 (pleckstrin homology and RhoGEF domain containing G2; plus strand). Cytogenetic location: 19q13.2.
Variant type: single nucleotide variant.
Coding change: c.859C>A on transcript NM_022835.3 (MANE Select); coding-DNA position 859, C replaced by A.
Protein change: p.Gln287Lys; replaces glutamine 287 with lysine.
Molecular consequence: missense variant.
Genome position (GRCh38, 1-based): chr19:39,417,669, C>A. VCF-style: chr19-39417669-C-A. GRCh37 (hg19) VCF-style: chr19-39908309-C-A.
Other names: c.682C>A, p.Gln228Lys (NM_001351693.2); c.859C>A, p.Gln287Lys (NM_001351694.2); c.859C>A (NM_022835.2); short protein forms Q228K, Q287K.
Identifiers: ClinVar variation 1431388 (VCV001431388.9), dbSNP rs371399586, ClinGen allele CA9429259.
Genomic context (GRCh38, chr19:39,417,669, plus strand): 5'-GAGGAAGCTATTGTGTCCATGACAGCGGTTGCCTGGTACATCAACGACATGAAGCGCAAG[C>A]AGGAGCATGCAGCGCGCCTCCAGGTGGCCCCAGGGTGGGCTGGGGCTTGCTGGATGAGGG-3'
Protein context (NP_073746.2, residues 277-297): AWYINDMKRK[Gln287Lys]EHAARLQEVQ

ClinVar aggregate classification (germline): Uncertain significance. Review status: criteria provided, multiple submitters, no conflicts (2 of 4 stars). 2 submissions from 2 submitters: Uncertain significance (2). Last evaluated 2022-07-18.

Allele frequency attached by ClinVar (database versions not stated): gnomAD exomes 0.00001 and 0.00002; ExAC 0.00003; gnomAD 0.00005; ESP Exome Variant Server 0.00008.
gnomAD v4.1: 35 of 1,611,244 alleles (0.0022%); highest among the groups gnomAD compares: Non-Finnish European, 0.0027%; no homozygotes.

Submissions (2):

Labcorp Genetics (formerly Invitae), Labcorp
Classification: Uncertain significance. Last evaluated: 2022-07-18. Review status: criteria provided, single submitter. Criteria: Invitae Variant Classification Sherloc (09022015). Collection method: clinical testing. Allele origin: germline.
Comment: This sequence change replaces glutamine, which is neutral and polar, with lysine, which is basic and polar, at codon 287 of the PLEKHG2 protein (p.Gln287Lys). In summary, the available evidence is currently insufficient to determine the role of this variant in disease. Therefore, it has been classified as a Variant of Uncertain Significance. Algorithms developed to predict the effect of missense changes on protein structure and function (SIFT, PolyPhen-2, Align-GVGD) all suggest that this variant is likely to be disruptive. ClinVar contains an entry for this variant (Variation ID: 1431388). This variant has not been reported in the literature in individuals affected with PLEKHG2-related conditions. This variant is present in population databases (rs371399586, gnomAD 0.004%).

Ambry Genetics
Classification: Uncertain significance. Last evaluated: 2022-04-22. Review status: criteria provided, single submitter. Criteria: Ambry Variant Classification Scheme 2023. Collection method: clinical testing. Allele origin: germline.